The following is an entry in ClinVar:

ClinVar aggregate classification (germline): Benign/Likely benign. Review status: criteria provided, multiple submitters, no conflicts (2 of 4 stars). 3 submissions from 3 submitters: Benign (1); Likely benign (2). Last evaluated 2024-05-09.

Conditions:
Hereditary cancer-predisposing syndrome. Also called: Hereditary Cancer Syndrome; Hereditary neoplastic syndrome; Neoplastic Syndromes, Hereditary; Tumor predisposition. Identifiers: Orphanet 140162, MedGen C0027672, MeSH D009386, MONDO:0015356.
Familial cancer of breast. Also called: BREAST CANCER, FAMILIAL; Hereditary breast cancer; hereditary breast carcinoma. Identifiers: Orphanet 227535, MedGen C0346153, MONDO:0016419, OMIM 114480. Disease mechanism: loss of function.
Ataxia-telangiectasia syndrome (AT). Also called: Ataxia-telangiectasia; Cerebello-oculocutaneous telangiectasia; Immunodeficiency with ataxia telangiectasia; Ataxia-telangiectasia, complementation group D; AT, COMPLEMENTATION GROUP C; Ataxia telangiectasia (A-T). Identifiers: Orphanet 100, MedGen C0004135, MONDO:0008840, OMIM 208900.

Submissions (3):

Myriad Genetics, Inc.
Classification: Benign for Familial cancer of breast. Last evaluated: 2024-05-09. Review status: criteria provided, single submitter. Criteria: Myriad Autosomal Dominant, Autosomal Recessive and X-Linked Classification Criteria (2023). Collection method: clinical testing. Allele origin: unknown.
Comment: This variant is considered benign. This variant is a silent/synonymous amino acid change and it is not expected to impact splicing.

Ambry Genetics
Classification: Likely benign for Hereditary cancer-predisposing syndrome. Last evaluated: 2023-03-22. Review status: criteria provided, single submitter. Criteria: Ambry Variant Classification Scheme 2023. Collection method: clinical testing. Allele origin: germline.

Labcorp Genetics (formerly Invitae), Labcorp
Classification: Likely benign for Ataxia-telangiectasia syndrome. Last evaluated: 2021-10-14. Review status: criteria provided, single submitter. Criteria: Invitae Variant Classification Sherloc (09022015). Collection method: clinical testing. Allele origin: germline.

NM_000051.4(ATM):c.2586T>C (p.Pro862=)

Gene: ATM (ATM serine/threonine kinase; plus strand). Cytogenetic location: 11q22.3.
Variant type: single nucleotide variant.
Coding change: c.2586T>C on transcript NM_000051.4 (MANE Select); coding-DNA position 2586, T replaced by C.
Protein change: p.Pro862=; no amino-acid change (proline 862 retained).
Molecular consequence: synonymous variant.
Genome position (GRCh38, 1-based): chr11:108,267,290, T>C. VCF-style: chr11-108267290-T-C. GRCh37 (hg19) VCF-style: chr11-108138017-T-C.
Other names: c.2586T>C (NM_000051.3); c.2586T>C, p.Pro862= (NM_001351834.2).
Identifiers: ClinVar variation 1149054 (VCV001149054.11), dbSNP rs2135508452, ClinGen allele CA476673641.